The following is an entry in ClinVar:

NM_014588.6(VSX1):c.627+54C>T

Gene: VSX1 (visual system homeobox 1; minus strand). Cytogenetic location: 20p11.21.
Variant type: single nucleotide variant.
Coding change: c.627+54C>T on transcript NM_014588.6 (MANE Select); 54 bases into the intron after coding-DNA position 627, C replaced by T.
Molecular consequence: intron variant. On other transcripts: synonymous variant (1).
Genome position (GRCh38, 1-based): chr20:25,078,775, G>A on the plus strand (C>T on the coding strand, the complement: VSX1 is on the minus strand). VCF-style: chr20-25078775-G-A. GRCh37 (hg19) VCF-style: chr20-25059411-G-A.
Other names: c.681C>T, p.Phe227= (NM_199425.3); c.627+54C>T (NM_001256271.2, NM_001256272.2).
Identifiers: ClinVar variation 3035973 (VCV003035973.2), dbSNP rs201758357, ClinGen allele CA9793556.

ClinVar aggregate classification (germline): Likely benign (0 of 4 stars; one submission).

Conditions:
VSX1-related disorder. Also called: VSX1-related condition.

Allele frequency attached by ClinVar (database versions not stated): gnomAD 0.00001; TOPMed 0.00004; ExAC 0.00007; 1000 Genomes Project 0.00020; 1000 Genomes Project 30x 0.00031.

Submission:

PreventionGenetics, part of Exact Sciences
Classification: Likely benign for VSX1-related condition. Last evaluated: 2021-01-04. Review status: no assertion criteria provided. Collection method: clinical testing. Allele origin: germline.
Comment: This variant is classified as likely benign based on ACMG/AMP sequence variant interpretation guidelines (Richards et al. 2015 PMID: 25741868, with internal and published modifications).